The following is an entry in ClinVar:

NM_006361.6(HOXB13):c.841A>G (p.Ser281Gly)

Gene: HOXB13 (homeobox B13; minus strand). Cytogenetic location: 17q21.32.
Variant type: single nucleotide variant.
Coding change: c.841A>G on transcript NM_006361.6 (MANE Select); coding-DNA position 841, A replaced by G.
Protein change: p.Ser281Gly; replaces serine 281 with glycine.
Molecular consequence: missense variant.
Genome position (GRCh38, 1-based): chr17:48,726,804, T>C on the plus strand (A>G on the coding strand, the complement: HOXB13 is on the minus strand). VCF-style: chr17-48726804-T-C. GRCh37 (hg19) VCF-style: chr17-46804166-T-C.
Other names: short protein forms S281G.
Identifiers: ClinVar variation 861623 (VCV000861623.11), dbSNP rs2038214832, ClinGen allele CA400105213.
Genomic context (GRCh38, chr17:48,726,804, plus strand): 5'-CAGGACACCCCCACTTTCGCTCCTCCCACCCAGGCAAGGAGATCTCTTAAGGGGTAGCGC[T>C]GTTCTTCACCTTGGCGAGAACCTTCTTCTCTTTGACCCGGCGGTTCTGAAACCAGATGGT-3'
Protein context (NP_006352.2, residues 271-284): EKKVLAKVKN[Ser281Gly]ATP

ClinVar aggregate classification (germline): Uncertain significance. Review status: criteria provided, multiple submitters, no conflicts (2 of 4 stars). 2 submissions from 2 submitters: Uncertain significance (2). Last evaluated 2025-09-21.

Conditions:
Hereditary cancer-predisposing syndrome. Also called: Tumor predisposition; Hereditary neoplastic syndrome; Neoplastic Syndromes, Hereditary; Hereditary Cancer Syndrome. Identifiers: Orphanet 140162, MedGen C0027672, MeSH D009386, MONDO:0015356.

Submissions (2):

Labcorp Genetics (formerly Invitae), Labcorp
Classification: Uncertain significance. Last evaluated: 2025-09-21. Review status: criteria provided, single submitter. Criteria: Invitae Variant Classification Sherloc (09022015). Collection method: clinical testing. Allele origin: germline.
Comment: This sequence change replaces serine, which is neutral and polar, with glycine, which is neutral and non-polar, at codon 281 of the HOXB13 protein (p.Ser281Gly). This variant is not present in population databases (gnomAD no frequency). This variant has not been reported in the literature in individuals affected with HOXB13-related conditions. ClinVar contains an entry for this variant (Variation ID: 861623). An algorithm developed to predict the effect of missense changes on protein structure and function (PolyPhen-2) suggests that this variant is likely to be tolerated. In summary, the available evidence is currently insufficient to determine the role of this variant in disease. Therefore, it has been classified as a Variant of Uncertain Significance.

Ambry Genetics
Classification: Uncertain significance for Hereditary cancer-predisposing syndrome. Last evaluated: 2025-08-07. Review status: criteria provided, single submitter. Criteria: Ambry Variant Classification Scheme 2023. Collection method: clinical testing. Allele origin: germline.
Comment: The p.S281G variant (also known as c.841A>G), located in coding exon 2 of the HOXB13 gene, results from an A to G substitution at nucleotide position 841. The serine at codon 281 is replaced by glycine, an amino acid with similar properties. This amino acid position is conserved. In addition, this alteration is predicted to be tolerated by in silico analysis. Since supporting evidence is limited at this time, the clinical significance of this alteration remains unclear.